The following is an entry in ClinVar:

ClinVar aggregate classification (germline): Uncertain significance (1 of 4 stars; one submission).

Conditions:
Andersen Tawil syndrome (LQT7). Also called: ANDERSEN CARDIODYSRHYTHMIC PERIODIC PARALYSIS; LONG QT SYNDROME 7; PERIODIC PARALYSIS, POTASSIUM-SENSITIVE CARDIODYSRHYTHMIC TYPE; Andersen Syndrome; Potassium-sensitive periodic paralysis, ventricular ectopy, and dysmorphic features. Identifiers: Orphanet 37553, MedGen C1563715, MONDO:0008222, OMIM 170390.
Short QT syndrome type 3. Identifiers: Orphanet 51083, MedGen C1865018, MONDO:0012314, OMIM 609622.

Submission:

Labcorp Genetics (formerly Invitae), Labcorp
Classification: Uncertain significance for Short QT syndrome type 3; Andersen Tawil syndrome. Last evaluated: 2025-10-22. Review status: criteria provided, single submitter. Criteria: Invitae Variant Classification Sherloc (09022015). Collection method: clinical testing. Allele origin: germline.
Comment: This sequence change replaces valine, which is neutral and non-polar, with methionine, which is neutral and non-polar, at codon 223 of the KCNJ2 protein (p.Val223Met). This variant is not present in population databases (gnomAD no frequency). This variant has not been reported in the literature in individuals affected with KCNJ2-related conditions. Invitae Evidence Modeling of protein sequence and biophysical properties (such as structural, functional, and spatial information, amino acid conservation, physicochemical variation, residue mobility, and thermodynamic stability) indicates that this missense variant is expected to disrupt KCNJ2 protein function with a positive predictive value of 95%. In summary, the available evidence is currently insufficient to determine the role of this variant in disease. Therefore, it has been classified as a Variant of Uncertain Significance.

NM_000891.3(KCNJ2):c.667G>A (p.Val223Met)

Gene: KCNJ2 (potassium inwardly rectifying channel subfamily J member 2; plus strand). Cytogenetic location: 17q24.3.
Variant type: single nucleotide variant.
Coding change: c.667G>A on transcript NM_000891.3 (MANE Select); coding-DNA position 667, G replaced by A.
Protein change: p.Val223Met; replaces valine 223 with methionine.
Molecular consequence: missense variant.
Genome position (GRCh38, 1-based): chr17:70,175,706, G>A. VCF-style: chr17-70175706-G-A. GRCh37 (hg19) VCF-style: chr17-68171847-G-A.
Other names: short protein forms V223M.
Identifiers: ClinVar variation 4792312 (VCV004792312.1).